The following is an entry in ClinVar:

ClinVar aggregate classification (germline): Pathogenic/Likely pathogenic. Review status: criteria provided, multiple submitters, no conflicts (2 of 4 stars). 5 submissions from 5 submitters: Pathogenic (1); Likely pathogenic (4). Last evaluated 2024-05-26.

Conditions:
Familial melanoma. Also called: Hereditary cutaneous melanoma; Hereditary melanoma. Identifiers: Orphanet 618, MedGen C1512419, MONDO:0018961.
Hereditary cancer-predisposing syndrome. Also called: Neoplastic Syndromes, Hereditary; Hereditary Cancer Syndrome; Tumor predisposition; Hereditary neoplastic syndrome. Identifiers: Orphanet 140162, MedGen C0027672, MeSH D009386, MONDO:0015356.
Melanoma and neural system tumor syndrome. Also called: MELANOMA-ASTROCYTOMA SYNDROME. Identifiers: Orphanet 252206, MedGen C1835042, MONDO:0007967, OMIM 155755.

Allele frequency attached by ClinVar (database versions not stated): gnomAD exomes 0.00001.
gnomAD v4.1: 7 of 1,604,496 alleles (0.00044%); highest among the groups gnomAD compares: Non-Finnish European, 0.00059%; no homozygotes.

Submissions (5):

GeneDx
Classification: Likely pathogenic. Last evaluated: 2024-05-26. Review status: criteria provided, single submitter. Criteria: GeneDx Variant Classification Process June 2021. Collection method: clinical testing. Allele origin: germline. Affected: yes.
Comment: Not observed at significant frequency in large population cohorts (gnomAD); In silico analysis supports that this missense variant has a deleterious effect on protein structure/function; This variant is associated with the following publications: (PMID: 20876876, 16169933, 25780468, 11687599, 21325014, 15761864, 10498896, 21462282, 28615371, 35001868)

PreventionGenetics, part of Exact Sciences
Classification: Likely pathogenic. Last evaluated: 2024-05-15. Review status: criteria provided, single submitter. Criteria: ACMG Guidelines, 2015. Collection method: clinical testing. Allele origin: germline.
Comment: This variant has been reported in multiple individuals with cutaneous melanoma (see for example, Table 2, Orlow et al. 2001. PubMed ID: 11687599; Figure 2, Niendorf et al. 2005. PubMed ID: 16169933; Table 1, Miller et al. 2011. PubMed ID: 21462282). This variant has not been reported in a large population database, indicating it is rare. An in vitro experimental study using multiple cell lines suggests this variant increases cell proliferation (Table S2, Kimura et al. 2022. PubMed ID: 35001868). This variant has been classified as pathogenic/likely pathogenic by other institutions in the ClinVar database. Alternate nucleotide substitutions affecting the same amino acid (p.Asp84Tyr, p.Asp84Asn, and p.Asp84Val) have been reported in multiple individuals with cutaneous melanoma (see for example, Table 2, Ruiz et al. 1999. PubMed ID: 10874641; Table 2, Maubec et al. 2012. PubMed ID: 22841127; Table 3, Borroni et al. 2017. PubMed ID: 28060055). In summary, the c.251A>C (p.Asp84Ala) variant is interpreted as likely pathogenic.

Labcorp Genetics (formerly Invitae), Labcorp
Classification: Likely pathogenic for Familial melanoma. Last evaluated: 2024-01-28. Review status: criteria provided, single submitter. Criteria: Invitae Variant Classification Sherloc (09022015). Collection method: clinical testing. Allele origin: germline.
Comment: This sequence change replaces aspartic acid, which is acidic and polar, with alanine, which is neutral and non-polar, at codon 84 of the CDKN2A (p16INK4a) protein (p.Asp84Ala). This variant is not present in population databases (gnomAD no frequency). This missense change has been observed in individuals with familial cutaneous melanoma (PMID: 11687599, 15761864, 16169933, 20876876, 21462282; Invitae). ClinVar contains an entry for this variant (Variation ID: 142882). An algorithm developed to predict the effect of missense changes on protein structure and function (PolyPhen-2) suggests that this variant is likely to be disruptive. Experimental studies have shown that this missense change affects CDKN2A (p16INK4a) function (PMID: 35001868). This variant disrupts the p.Asp84 amino acid residue in CDKN2A (p16INK4a). Other variant(s) that disrupt this residue have been determined to be pathogenic (PMID: 10491434, 21462282, 28060055). This suggests that this residue is clinically significant, and that variants that disrupt this residue are likely to be disease-causing. In summary, the currently available evidence indicates that the variant is pathogenic, but additional data are needed to prove that conclusively. Therefore, this variant has been classified as Likely Pathogenic.

Ambry Genetics
Classification: Pathogenic for Hereditary cancer-predisposing syndrome. Last evaluated: 2023-12-15. Review status: criteria provided, single submitter. Criteria: Ambry Variant Classification Scheme 2023. Collection method: clinical testing. Allele origin: germline.
Comment: The p.D84A variant (also known as c.251A>C), located in coding exon 2 of the CDKN2A gene, results from an A to C substitution at nucleotide position 251. The aspartic acid at codon 84 is replaced by alanine, an amino acid with dissimilar properties. This variant has been identified in numerous families with clinical histories that are consistent with a familial melanoma syndrome (Orlow I et al. J Mol Diagn, 2001 Nov;3:158-63; Harland M et al. Hered Cancer Clin Pract, 2014 Nov;12:20; Harland M et al. Genes Chromosomes Cancer, 2005 Jun;43:128-36; Cust AE et al. J. Med. Genet., 2011 Apr;48:266-72; Demenais F et al. J. Natl. Cancer Inst., 2010 Oct;102:1568-83; Miller PJ et al. Hum. Mutat., 2011 Aug;32:900-11; Niendorf KB et al. J. Med. Genet., 2006 Jun;43:501-6; Ambry internal data). In addition, this amino acid sits at the interface with CDK6 and is anticipated to result in decreased binding affinity (Yuan C et al. Protein Sci., 2000 Jun;9:1120-8; Ambry internal data). A functional study reported this variant as deleterious based on in-vitro assessment of impact on proliferation in human pancreatic cancer cell lines (Kimura H et al. Elife, 2022 01;11). This amino acid position is highly conserved in available vertebrate species. In addition, this alteration is predicted to be deleterious by in silico analysis. This variant is also considered to be rare based on population cohorts in the Genome Aggregation Database (gnomAD). Based on the supporting evidence, this alteration is interpreted as a disease-causing mutation.

Baylor Genetics
Classification: Likely pathogenic for Melanoma and neural system tumor syndrome. Last evaluated: 2023-06-21. Review status: criteria provided, single submitter. Criteria: ACMG Guidelines, 2015. Collection method: clinical testing. Allele origin: unknown.

Literature cited by the submitters: PubMed 11687599 (cited by Labcorp Genetics (formerly Invitae), Labcorp and Ambry Genetics); PubMed 15761864 (cited by Labcorp Genetics (formerly Invitae), Labcorp and Ambry Genetics); PubMed 16169933 (cited by Labcorp Genetics (formerly Invitae), Labcorp and Ambry Genetics); PubMed 20876876 (cited by Labcorp Genetics (formerly Invitae), Labcorp and Ambry Genetics); PubMed 21462282 (cited by Labcorp Genetics (formerly Invitae), Labcorp and Ambry Genetics); PubMed 35001868 (cited by Labcorp Genetics (formerly Invitae), Labcorp and Ambry Genetics); PubMed 10491434 (cited by Labcorp Genetics (formerly Invitae), Labcorp); PubMed 28060055 (cited by Labcorp Genetics (formerly Invitae), Labcorp and Ambry Genetics); PubMed 10498896 (cited by Ambry Genetics); PubMed 10874641 (cited by Ambry Genetics); PubMed 10892805 (cited by Ambry Genetics); PubMed 18803811 (cited by Ambry Genetics); PubMed 21085193 (cited by Ambry Genetics); PubMed 21325014 (cited by Ambry Genetics); PubMed 22841127 (cited by Ambry Genetics); PubMed 25780468 (cited by Ambry Genetics).

NM_000077.5(CDKN2A):c.251A>C (p.Asp84Ala)

Gene: CDKN2A (cyclin dependent kinase inhibitor 2A; minus strand). Cytogenetic location: 9p21.3.
Variant type: single nucleotide variant.
Coding change: c.251A>C on transcript NM_000077.5; coding-DNA position 251, A replaced by C.
Protein change: p.Asp84Ala; replaces aspartic acid 84 with alanine.
Molecular consequence: missense variant (on NM_000077.6). On other transcripts: synonymous variant (1), 3 prime UTR variant (1).
Genome position (GRCh38, 1-based): chr9:21,971,108, T>G on the plus strand (A>C on the coding strand, the complement: CDKN2A is on the minus strand). VCF-style: chr9-21971108-T-G. GRCh37 (hg19) VCF-style: chr9-21971107-T-G.
Other names: c.251A>C, p.Asp84Ala (NM_000077.6, NM_001195132.2); c.98A>C, p.Asp33Ala (NM_001363763.2); c.294A>C, p.Arg98= (NM_058195.4); c.*174A>C (NM_058197.5); short protein forms D84A, D33A.
Identifiers: ClinVar variation 142882 (VCV000142882.18), dbSNP rs587782792, ClinGen allele CA169666.
Genomic context (GRCh38, chr9:21,971,108, plus strand): 5'-AGCCGCGCCCCGGCCCGGTGCAGCACCACCAGCGTGTCCAGGAAGCCCTCCCGGGCAGCG[T>G]CGTGCACGGGTCGGGTGAGAGTGGCGGGGTCGGCGCAGTTGGGCTCCGCGCCGTGGAGCA-3'
Protein context (NP_000068.1, residues 74-94): DPATLTRPVH[Asp84Ala]AAREGFLDTL